The following is an entry in ClinVar:

ClinVar aggregate classification (germline): Conflicting classifications of pathogenicity. Review status: no assertion criteria provided (0 of 4 stars). 2 submissions from 2 submitters: Benign (1); conflicting data from submitters (1). Last evaluated 2010-10-19.

Submissions (2):

ISCA site 8
Classification: Benign. Last evaluated: 2010-10-19. Review status: no assertion criteria provided. Collection method: clinical testing. Allele origin: unknown. Affected: yes. Observed: 1 variant allele.

ISCA site 4
Classification: conflicting data from submitters. Last evaluated: 2010-05-27. Review status: no assertion criteria provided. Collection method: clinical testing. Allele origin: unknown. Affected: yes. Observed: 3 variant alleles. Clinical features observed: Developmental delay AND/OR other significant developmental or morphological phenotypes.
Comment: Uncertain significance(2), Benign (1)

Copy number variation identified through the course of routine clinical cytogenomic testing in postnatal populations, with clinical assertions as classified by the original submitter. For data from the original published study, Kaminsky, et al. 2011 (PubMed 21844811), please see nstd101.

GRCh38/hg38 2p11.2(chr2:87148954-87705899)x3

Genes: CYTOR (cytoskeleton regulator RNA; plus strand), LINC01943 (long intergenic non-protein coding RNA 1943; minus strand), MIR4435-1 (microRNA 4435-1; plus strand), MIR4771-1 (microRNA 4771-1; plus strand), NCAL1 (NK cell activity associated lncRNA 1; plus strand) and 1 more. Cytogenetic location: 2p11.2.
Variant type: copy number gain.
Change: copy number 3 (three copies instead of two) of chr2:87,148,954-87,705,899 (556.9 kb, GRCh38 coordinates, 1-based), cytogenetic band 2p11.2.
Identifiers: ClinVar variation 146182 (VCV000146182.3).